The following is an entry in ClinVar:

NM_005732.4(RAD50):c.3412A>C (p.Met1138Leu)

Genes: TH2-LCR (Th2 cytokine locus control region; plus strand), RAD50 (RAD50 double strand break repair protein; plus strand), TH2LCRR (T helper type 2 locus control region associated RNA; minus strand). Cytogenetic location: 5q31.1.
Variant type: single nucleotide variant.
Coding change: c.3412A>C on transcript NM_005732.4 (MANE Select); coding-DNA position 3412, A replaced by C.
Protein change: p.Met1138Leu; replaces methionine 1138 with leucine.
Molecular consequence: missense variant.
Genome position (GRCh38, 1-based): chr5:132,637,137, A>C. VCF-style: chr5-132637137-A-C. GRCh37 (hg19) VCF-style: chr5-131972829-A-C.
Other names: short protein forms M1138L.
Identifiers: ClinVar variation 527335 (VCV000527335.9), dbSNP rs1554100856, ClinGen allele CA360929881.

ClinVar aggregate classification (germline): Uncertain significance (1 of 4 stars; one submission).

Conditions:
Hereditary cancer-predisposing syndrome. Also called: Neoplastic Syndromes, Hereditary; Tumor predisposition; Hereditary Cancer Syndrome; Hereditary neoplastic syndrome. Identifiers: Orphanet 140162, MedGen C0027672, MeSH D009386, MONDO:0015356.

Submission:

Labcorp Genetics (formerly Invitae), Labcorp
Classification: Uncertain significance for Hereditary cancer-predisposing syndrome. Last evaluated: 2017-08-13. Review status: criteria provided, single submitter. Criteria: Invitae Variant Classification Sherloc (09022015). Collection method: clinical testing. Allele origin: germline.
Comment: In summary, the available evidence is currently insufficient to determine the role of this variant in disease. Therefore, it has been classified as a Variant of Uncertain Significance. Algorithms developed to predict the effect of missense changes on protein structure and function (SIFT, PolyPhen-2, Align-GVGD) all suggest that this variant is likely to be tolerated, but these predictions have not been confirmed by published functional studies and their clinical significance is uncertain. This variant has not been reported in the literature in individuals with RAD50-related disease. This variant is not present in population databases (ExAC no frequency). This sequence change replaces methionine with leucine at codon 1138 of the RAD50 protein (p.Met1138Leu). The methionine residue is moderately conserved and there is a small physicochemical difference between methionine and leucine.